The following is an entry in ClinVar:

ClinVar aggregate classification (germline): Uncertain significance (1 of 4 stars; one submission).

Submission:

GeneDx
Classification: Uncertain significance. Last evaluated: 2022-11-21. Review status: criteria provided, single submitter. Criteria: GeneDx Variant Classification Process June 2021. Collection method: clinical testing. Allele origin: germline. Affected: yes.
Comment: Not observed at significant frequency in large population cohorts (gnomAD); In silico analysis supports that this missense variant does not alter protein structure/function; Has not been previously published as pathogenic or benign to our knowledge

NM_022166.4(XYLT1):c.2639G>A (p.Ser880Asn)

Gene: XYLT1 (xylosyltransferase 1; minus strand). Cytogenetic location: 16p12.3.
Variant type: single nucleotide variant.
Coding change: c.2639G>A on transcript NM_022166.4 (MANE Select); coding-DNA position 2639, G replaced by A.
Protein change: p.Ser880Asn; replaces serine 880 with asparagine.
Molecular consequence: missense variant.
Genome position (GRCh38, 1-based): chr16:17,108,936, C>T on the plus strand (G>A on the coding strand, the complement: XYLT1 is on the minus strand). VCF-style: chr16-17108936-C-T. GRCh37 (hg19) VCF-style: chr16-17202793-C-T.
Other names: short protein forms S880N.
Identifiers: ClinVar variation 2502637 (VCV002502637.1), dbSNP rs769620977, ClinGen allele CA395217854.